The following is an entry in ClinVar:

NM_006734.4(HIVEP2):c.3025G>A (p.Val1009Ile)

Gene: HIVEP2 (HIVEP zinc finger 2; minus strand). Cytogenetic location: 6q24.2.
Variant type: single nucleotide variant.
Coding change: c.3025G>A on transcript NM_006734.4 (MANE Select); coding-DNA position 3025, G replaced by A.
Protein change: p.Val1009Ile; replaces valine 1009 with isoleucine.
Molecular consequence: missense variant.
Genome position (GRCh38, 1-based): chr6:142,771,714, C>T on the plus strand (G>A on the coding strand, the complement: HIVEP2 is on the minus strand). VCF-style: chr6-142771714-C-T. GRCh37 (hg19) VCF-style: chr6-143092851-C-T.
Other names: short protein forms V1009I.
Identifiers: ClinVar variation 3700382 (VCV003700382.2).

ClinVar aggregate classification (germline): Uncertain significance (1 of 4 stars; one submission).

gnomAD v4.1: 156 of 1,614,090 alleles (0.0097%); highest among the groups gnomAD compares: Non-Finnish European, 0.013%; no homozygotes.

Submission:

Labcorp Genetics (formerly Invitae), Labcorp
Classification: Uncertain significance. Last evaluated: 2024-12-04. Review status: criteria provided, single submitter. Criteria: Invitae Variant Classification Sherloc (09022015). Collection method: clinical testing. Allele origin: germline.
Comment: This sequence change replaces valine, which is neutral and non-polar, with isoleucine, which is neutral and non-polar, at codon 1009 of the HIVEP2 protein (p.Val1009Ile). This variant is present in population databases (rs766328392, gnomAD 0.002%). This variant has not been reported in the literature in individuals affected with HIVEP2-related conditions. Invitae Evidence Modeling of protein sequence and biophysical properties (such as structural, functional, and spatial information, amino acid conservation, physicochemical variation, residue mobility, and thermodynamic stability) indicates that this missense variant is expected to disrupt HIVEP2 protein function with a positive predictive value of 80%. In summary, the available evidence is currently insufficient to determine the role of this variant in disease. Therefore, it has been classified as a Variant of Uncertain Significance.